The following is an entry in ClinVar:

NM_032387.5(WNK4):c.1822G>A (p.Val608Met)

Gene: WNK4 (WNK lysine deficient protein kinase 4; plus strand). Cytogenetic location: 17q21.2.
Variant type: single nucleotide variant.
Coding change: c.1822G>A on transcript NM_032387.5 (MANE Select); coding-DNA position 1822, G replaced by A.
Protein change: p.Val608Met; replaces valine 608 with methionine.
Molecular consequence: missense variant.
Genome position (GRCh38, 1-based): chr17:42,787,858, G>A. VCF-style: chr17-42787858-G-A. GRCh37 (hg19) VCF-style: chr17-40939876-G-A.
Other names: c.814G>A, p.Val272Met (NM_001321299.2); c.1822G>A (NM_032387.4); short protein forms V272M, V608M.
Identifiers: ClinVar variation 2057260 (VCV002057260.5), dbSNP rs560033554, ClinGen allele CA8584108.

ClinVar aggregate classification (germline): Likely benign. Review status: criteria provided, multiple submitters, no conflicts (2 of 4 stars). 2 submissions from 2 submitters: Likely benign (2). Last evaluated 2026-02-03.

Conditions:
WNK4-related disorder. Also called: WNK4-related condition.

Allele frequency attached by ClinVar (database versions not stated): gnomAD 0.00005; TOPMed 0.00008; ExAC 0.00013; 1000 Genomes Project 0.00040; 1000 Genomes Project 30x 0.00047.
gnomAD v4.1: 141 of 1,611,686 alleles (0.0087%); highest among the groups gnomAD compares: South Asian, 0.046%; 1 homozygote.

Submissions (2):

Labcorp Genetics (formerly Invitae), Labcorp
Classification: Likely benign. Last evaluated: 2026-02-03. Review status: criteria provided, single submitter. Criteria: Invitae Variant Classification Sherloc (09022015). Collection method: clinical testing. Allele origin: germline.

PreventionGenetics, part of Exact Sciences
Classification: Likely benign for WNK4-related condition. Last evaluated: 2025-09-23. Review status: criteria provided, single submitter. Criteria: ACMG Guidelines, 2015. Collection method: clinical testing. Allele origin: germline.
Comment: This variant is classified as likely benign based on ACMG/AMP sequence variant interpretation guidelines (Richards et al. 2015 PMID: 25741868, with internal and published modifications).